The following is an entry in ClinVar:

NM_012469.4(PRPF6):c.2228C>T (p.Thr743Ile)

Gene: PRPF6 (pre-mRNA processing factor 6; plus strand). Cytogenetic location: 20q13.33.
Variant type: single nucleotide variant.
Coding change: c.2228C>T on transcript NM_012469.4 (MANE Select); coding-DNA position 2228, C replaced by T.
Protein change: p.Thr743Ile; replaces threonine 743 with isoleucine.
Molecular consequence: missense variant.
Genome position (GRCh38, 1-based): chr20:64,027,625, C>T. VCF-style: chr20-64027625-C-T. GRCh37 (hg19) VCF-style: chr20-62658978-C-T.
Other names: short protein forms T743I.
Identifiers: ClinVar variation 971218 (VCV000971218.10), dbSNP rs961636202, ClinGen allele CA317548070.
Genomic context (GRCh38, chr20:64,027,625, plus strand): 5'-GACACCACCTGAGCTGCTCTCTTACTTGTTGGTTGCAGTTGAAGAAGTGTCCCCACTCCA[C>T]ACCCCTGTGGCTTTTGCTCTCTCGGCTGGAGGAGAAGATTGGGCAGCTTACTCGAGCACG-3'
Protein context (NP_036601.2, residues 733-753): NQGLKKCPHS[Thr743Ile]PLWLLLSRLE

ClinVar aggregate classification (germline): Uncertain significance. Review status: criteria provided, multiple submitters, no conflicts (2 of 4 stars). 3 submissions from 3 submitters: Uncertain significance (3). Last evaluated 2025-12-15.

Allele frequency attached by ClinVar (database versions not stated): gnomAD exomes below 0.00001 and 0.00001; gnomAD 0.00005 and 0.00006; TOPMed 0.00015.
gnomAD v4.1: 15 of 1,614,060 alleles (0.00093%); highest among the groups gnomAD compares: Admixed American, 0.015%; no homozygotes.

Submissions (3):

Labcorp Genetics (formerly Invitae), Labcorp
Classification: Uncertain significance. Last evaluated: 2025-12-15. Review status: criteria provided, single submitter. Criteria: Invitae Variant Classification Sherloc (09022015). Collection method: clinical testing. Allele origin: germline.
Comment: This sequence change replaces threonine, which is neutral and polar, with isoleucine, which is neutral and non-polar, at codon 743 of the PRPF6 protein (p.Thr743Ile). This variant is present in population databases (no rsID available, gnomAD no frequency). This missense change has been observed in individuals with clinical features of retinitis pigmentosa (PMID: 38074011; internal data). ClinVar contains an entry for this variant (Variation ID: 971218). Invitae Evidence Modeling of protein sequence and biophysical properties (such as structural, functional, and spatial information, amino acid conservation, physicochemical variation, residue mobility, and thermodynamic stability) indicates that this missense variant is not expected to disrupt PRPF6 protein function with a negative predictive value of 80%. In summary, the available evidence is currently insufficient to determine the role of this variant in disease. Therefore, it has been classified as a Variant of Uncertain Significance.

Ambry Genetics
Classification: Uncertain significance. Last evaluated: 2021-10-06. Review status: criteria provided, single submitter. Criteria: Ambry Variant Classification Scheme 2023. Collection method: clinical testing. Allele origin: germline.

Blueprint Genetics
Classification: Uncertain significance. Last evaluated: 2020-01-10. Review status: criteria provided, single submitter. Criteria: ACMG Guidelines, 2015. Collection method: clinical testing. Allele origin: germline.

Literature cited by the submitters: PubMed 38074011 (cited by Labcorp Genetics (formerly Invitae), Labcorp).